The following is an entry in ClinVar:

NM_017617.5(NOTCH1):c.2741-12G>A

Gene: NOTCH1 (notch receptor 1; minus strand). Cytogenetic location: 9q34.3.
Variant type: single nucleotide variant.
Coding change: c.2741-12G>A on transcript NM_017617.5 (MANE Select); 12 bases into the intron before coding-DNA position 2741, G replaced by A.
Molecular consequence: intron variant.
Genome position (GRCh38, 1-based): chr9:136,509,973, C>T on the plus strand (G>A on the coding strand, the complement: NOTCH1 is on the minus strand). VCF-style: chr9-136509973-C-T. GRCh37 (hg19) VCF-style: chr9-139404425-C-T.
Other names: c.2741-12G>A (LRG_1122t1).
Identifiers: ClinVar variation 506386 (VCV000506386.9), dbSNP rs370769571, ClinGen allele CA5341158.

ClinVar aggregate classification (germline): Likely benign. Review status: criteria provided, multiple submitters, no conflicts (2 of 4 stars). 4 submissions from 3 submitters: Likely benign (4). Last evaluated 2025-11-26.

Conditions:
Adams-Oliver syndrome 5 (AOS5). Identifiers: Orphanet 974, MedGen C4014970, MONDO:0014459, OMIM 616028.
Aortic valve disease 1 (AOVD1). Identifiers: MedGen C3887892, MONDO:0024523, OMIM 109730.

Allele frequency attached by ClinVar (database versions not stated): gnomAD exomes 0.00002 and 0.00003; ExAC 0.00003; gnomAD 0.00005 and 0.00006; TOPMed 0.00005; ESP Exome Variant Server 0.00016.
gnomAD v4.1: 35 of 1,611,286 alleles (0.0022%); highest among the groups gnomAD compares: African/African-American, 0.017%; no homozygotes.

Submissions (4):

Labcorp Genetics (formerly Invitae), Labcorp
Classification: Likely benign for Adams-Oliver syndrome 5. Last evaluated: 2025-11-26. Review status: criteria provided, single submitter. Criteria: Invitae Variant Classification Sherloc (09022015). Collection method: clinical testing. Allele origin: germline.

Genome-Nilou Lab
Classification: Likely benign for Adams-Oliver syndrome 5. Last evaluated: 2022-03-15. Review status: criteria provided, single submitter. Criteria: ACMG Guidelines, 2015. Collection method: clinical testing. Allele origin: germline. Affected: no.

Genome-Nilou Lab
Classification: Likely benign for Aortic valve disease 1. Last evaluated: 2022-03-15. Review status: criteria provided, single submitter. Criteria: ACMG Guidelines, 2015. Collection method: clinical testing. Allele origin: germline. Affected: no.

GeneDx
Classification: Likely benign. Last evaluated: 2017-01-20. Review status: criteria provided, single submitter. Criteria: GeneDx Variant Classification (06012015). Collection method: clinical testing. Allele origin: germline. Affected: yes.
Comment: This variant is considered likely benign or benign based on one or more of the following criteria: it is a conservative change, it occurs at a poorly conserved position in the protein, it is predicted to be benign by multiple in silico algorithms, and/or has population frequency not consistent with disease.